The following is an entry in ClinVar:

NM_015627.3(LDLRAP1):c.853C>T (p.Gln285Ter)

Gene: LDLRAP1 (low density lipoprotein receptor adaptor protein 1; plus strand). Cytogenetic location: 1p36.11.
Variant type: single nucleotide variant.
Coding change: c.853C>T on transcript NM_015627.3 (MANE Select); coding-DNA position 853, C replaced by T.
Protein change: p.Gln285Ter; replaces glutamine 285 with a stop codon.
Molecular consequence: nonsense.
Genome position (GRCh38, 1-based): chr1:25,566,918, C>T. VCF-style: chr1-25566918-C-T. GRCh37 (hg19) VCF-style: chr1-25893409-C-T.
Other names: short protein forms Q285*.
Identifiers: ClinVar variation 1763782 (VCV001763782.2), dbSNP rs2524169805, ClinGen allele CA339075938.
Genomic context (GRCh38, chr1:25,566,918, plus strand): 5'-TCTCGGACAAACCCTCAGGTCCTGGACACTGGCCTGACAGCCCAGGACATGCATTACGCC[C>T]AGTGCCTCTCGCCTGTCGACTGGGACAAGCCTGACAGCAGCGGCACAGAGCAGGATGACC-3'

ClinVar aggregate classification (germline): Uncertain significance (1 of 4 stars; one submission).

Conditions:
Cardiovascular phenotype. Identifiers: MedGen CN230736.

Submission:

Ambry Genetics
Classification: Uncertain significance for Cardiovascular phenotype. Last evaluated: 2019-05-31. Review status: criteria provided, single submitter. Criteria: Ambry Variant Classification Scheme 2023. Collection method: clinical testing. Allele origin: germline.
Comment: The p.Q285* variant (also known as c.853C>T), located in coding exon 9 of the LDLRAP1 gene, results from a C to T substitution at nucleotide position 853. This changes the amino acid from a glutamine to a stop codon within coding exon 9. Premature stop codons are typically deleterious in nature, however, this stop codon occurs at the 3' terminus of LDLRAP1, is not expected to trigger nonsense-mediated mRNA decay, and removes only the last 24 amino acids of the protein. The exact functional impact of these removed amino acids is unknown at this time.